The following is an entry in ClinVar:

NM_001148.6(ANK2):c.9002G>A (p.Ser3001Asn)

Gene: ANK2 (ankyrin 2; plus strand). Cytogenetic location: 4q26.
Variant type: single nucleotide variant.
Coding change: c.9002G>A on transcript NM_001148.6 (MANE Select); coding-DNA position 9002, G replaced by A.
Protein change: p.Ser3001Asn; replaces serine 3001 with asparagine.
Molecular consequence: missense variant. On other transcripts: intron variant (68).
Genome position (GRCh38, 1-based): chr4:113,357,620, G>A. VCF-style: chr4-113357620-G-A. GRCh37 (hg19) VCF-style: chr4-114278776-G-A.
Other names: c.8768G>A, p.Ser2923Asn (NM_001386142.1); c.5402G>A, p.Ser1801Asn (NM_001386166.1); c.9143G>A, p.Ser3048Asn (NM_001386174.1); c.9119G>A, p.Ser3040Asn (NM_001386175.1); c.4412-3203G>A (NM_001386186.2, NM_001386148.2); c.4214-3203G>A (NM_001354269.3); c.4292-3203G>A (NM_001386187.2); c.4253-3203G>A (NM_001386147.1); and 35 more; short protein forms S1801N, S3001N, S2923N, S3040N, S3048N.
Identifiers: ClinVar variation 2450646 (VCV002450646.2), dbSNP rs2505914987, ClinGen allele CA357936218.

ClinVar aggregate classification (germline): Uncertain significance (1 of 4 stars; one submission).

Conditions:
Cardiovascular phenotype. Identifiers: MedGen CN230736.

Submission:

Ambry Genetics
Classification: Uncertain significance for Cardiovascular phenotype. Last evaluated: 2023-01-20. Review status: criteria provided, single submitter. Criteria: Ambry Variant Classification Scheme 2023. Collection method: clinical testing. Allele origin: germline.
Comment: The p.S3001N variant (also known as c.9002G>A), located in coding exon 38 of the ANK2 gene, results from a G to A substitution at nucleotide position 9002. The serine at codon 3001 is replaced by asparagine, an amino acid with highly similar properties. This amino acid position is conserved. In addition, this alteration is predicted to be tolerated by in silico analysis. Since supporting evidence is limited at this time, the clinical significance of this alteration remains unclear.